The following is an entry in ClinVar:

NM_032043.3(BRIP1):c.3747G>A (p.Lys1249=)

Gene: BRIP1 (BRCA1 interacting DNA helicase 1; minus strand). Cytogenetic location: 17q23.2.
Variant type: single nucleotide variant.
Coding change: c.3747G>A on transcript NM_032043.3 (MANE Select); coding-DNA position 3747, G replaced by A.
Protein change: p.Lys1249=; no amino-acid change (lysine 1249 retained).
Molecular consequence: synonymous variant.
Genome position (GRCh38, 1-based): chr17:61,683,299, C>T on the plus strand (G>A on the coding strand, the complement: BRIP1 is on the minus strand). VCF-style: chr17-61683299-C-T. GRCh37 (hg19) VCF-style: chr17-59760660-C-T.
Identifiers: ClinVar variation 1632874 (VCV001632874.12), dbSNP rs1264149264, ClinGen allele CA501335061.

ClinVar aggregate classification (germline): Benign/Likely benign. Review status: criteria provided, multiple submitters, no conflicts (2 of 4 stars). 3 submissions from 3 submitters: Benign (1); Likely benign (2). Last evaluated 2024-09-10.

Conditions:
Familial cancer of breast. Also called: Hereditary breast cancer; hereditary breast carcinoma; BREAST CANCER, FAMILIAL. Identifiers: Orphanet 227535, MedGen C0346153, MONDO:0016419, OMIM 114480. Disease mechanism: loss of function.
Hereditary cancer-predisposing syndrome. Also called: Hereditary Cancer Syndrome; Tumor predisposition; Neoplastic Syndromes, Hereditary; Hereditary neoplastic syndrome. Identifiers: Orphanet 140162, MedGen C0027672, MeSH D009386, MONDO:0015356.
Fanconi anemia complementation group J. Also called: BRIP1-Related Fanconi Anemia. Identifiers: Orphanet 84, MedGen C1836860, MONDO:0012187, OMIM 609054.

Allele frequency attached by ClinVar (database versions not stated): TOPMed 0.00001.

Submissions (3):

Myriad Genetics, Inc.
Classification: Benign for Familial cancer of breast. Last evaluated: 2024-09-10. Review status: criteria provided, single submitter. Criteria: Myriad Autosomal Dominant, Autosomal Recessive and X-Linked Classification Criteria (2023). Collection method: clinical testing. Allele origin: unknown.
Comment: This variant is considered benign. This variant is a silent/synonymous amino acid change and it is not expected to impact splicing.

Ambry Genetics
Classification: Likely benign for Hereditary cancer-predisposing syndrome. Last evaluated: 2021-12-08. Review status: criteria provided, single submitter. Criteria: Ambry Variant Classification Scheme 2023. Collection method: clinical testing. Allele origin: germline.

Labcorp Genetics (formerly Invitae), Labcorp
Classification: Likely benign for Familial cancer of breast; Fanconi anemia complementation group J. Last evaluated: 2021-09-29. Review status: criteria provided, single submitter. Criteria: Invitae Variant Classification Sherloc (09022015). Collection method: clinical testing. Allele origin: germline.